The following is an entry in ClinVar:

NM_015295.3(SMCHD1):c.4474G>C (p.Val1492Leu)

Gene: SMCHD1 (structural maintenance of chromosomes flexible hinge domain containing 1; plus strand). Cytogenetic location: 18p11.32.
Variant type: single nucleotide variant.
Coding change: c.4474G>C on transcript NM_015295.3 (MANE Select); coding-DNA position 4474, G replaced by C.
Protein change: p.Val1492Leu; replaces valine 1492 with leucine.
Molecular consequence: missense variant.
Genome position (GRCh38, 1-based): chr18:2,762,144, G>C. VCF-style: chr18-2762144-G-C. GRCh37 (hg19) VCF-style: chr18-2762142-G-C.
Other names: short protein forms V1492L.
Identifiers: ClinVar variation 2109874 (VCV002109874.4), dbSNP rs2075797388, ClinGen allele CA401695191.
Genomic context (GRCh38, chr18:2,762,144, plus strand): 5'-ATGTCTCTTTTGTTTTGTAAGGTTATAGTTGAAGTCCTGCCTAATCAACCTGTGAAGTTA[G>C]TACCTAAAATTAAACCACCTACACCAGCTGTTTCAAATGTTCGCTCAGTTGCCAGTAGGA-3'
Protein context (NP_056110.2, residues 1482-1502): EVLPNQPVKL[Val1492Leu]PKIKPPTPAV

ClinVar aggregate classification (germline): Uncertain significance (1 of 4 stars; one submission).

Conditions:
Facioscapulohumeral muscular dystrophy 2 (FSHD2). Also called: MUSCULAR DYSTROPHY, FACIOSCAPULOHUMERAL, TYPE 1B; FACIOSCAPULOHUMERAL MUSCULAR DYSTROPHY 2, DIGENIC; FSHD2, DIGENIC. Identifiers: Orphanet 269, MedGen C1834671, MONDO:0008031, OMIM 158901.

Submission:

Labcorp Genetics (formerly Invitae), Labcorp
Classification: Uncertain significance for Facioscapulohumeral muscular dystrophy 2. Last evaluated: 2022-03-12. Review status: criteria provided, single submitter. Criteria: Invitae Variant Classification Sherloc (09022015). Collection method: clinical testing. Allele origin: germline.
Comment: This sequence change replaces valine, which is neutral and non-polar, with leucine, which is neutral and non-polar, at codon 1492 of the SMCHD1 protein (p.Val1492Leu). Algorithms developed to predict the effect of missense changes on protein structure and function (SIFT, PolyPhen-2, Align-GVGD) all suggest that this variant is likely to be tolerated. This variant has not been reported in the literature in individuals affected with SMCHD1-related conditions. This variant is not present in population databases (gnomAD no frequency). In summary, the available evidence is currently insufficient to determine the role of this variant in disease. Therefore, it has been classified as a Variant of Uncertain Significance.